The following is an entry in ClinVar:

NM_001256071.3(RNF213):c.15540G>T (p.Gln5180His)

Genes: RNF213 (ring finger protein 213; plus strand), RNF213-AS1 (RNF213 antisense RNA 1; minus strand). Cytogenetic location: 17q25.3.
Variant type: single nucleotide variant.
Coding change: c.15540G>T on transcript NM_001256071.3 (MANE Select); coding-DNA position 15540, G replaced by T.
Protein change: p.Gln5180His; replaces glutamine 5180 with histidine.
Molecular consequence: missense variant.
Genome position (GRCh38, 1-based): chr17:80,393,414, G>T. VCF-style: chr17-80393414-G-T. GRCh37 (hg19) VCF-style: chr17-78367214-G-T.
Other names: p.Gln5180His; c.15687G>T, p.Gln5229His (NM_001410195.1, NM_020914.5); short protein forms Q5180H, Q5229H.
Identifiers: ClinVar variation 4542239 (VCV004542239.2).

ClinVar aggregate classification (germline): Conflicting classifications of pathogenicity. Review status: criteria provided, conflicting classifications (1 of 4 stars). 2 submissions from 2 submitters: Uncertain significance (1); Likely benign (1). Last evaluated 2025-10-23.

gnomAD v4.1: 184 of 1,614,184 alleles (0.011%); highest among the groups gnomAD compares: Admixed American, 0.023%; no homozygotes.

Submissions (2):

Mayo Clinic Laboratories, Mayo Clinic
Classification: Uncertain significance. Last evaluated: 2025-10-23. Review status: criteria provided, single submitter. Criteria: ACMG Guidelines, 2015. Collection method: clinical testing. Allele origin: germline. Observed: 1 variant allele.
Comment: BP4_moderate

Labcorp Genetics (formerly Invitae), Labcorp
Classification: Likely benign. Last evaluated: 2025-05-01. Review status: criteria provided, single submitter. Criteria: Invitae Variant Classification Sherloc (09022015). Collection method: clinical testing. Allele origin: germline.